The following is an entry in ClinVar:

NM_001958.5(EEF1A2):c.386A>C (p.Lys129Thr)

Gene: EEF1A2 (eukaryotic translation elongation factor 1 alpha 2; minus strand). Cytogenetic location: 20q13.33.
Variant type: single nucleotide variant.
Coding change: c.386A>C on transcript NM_001958.5 (MANE Select); coding-DNA position 386, A replaced by C.
Protein change: p.Lys129Thr; replaces lysine 129 with threonine.
Molecular consequence: missense variant.
Genome position (GRCh38, 1-based): chr20:63,495,040, T>G on the plus strand (A>C on the coding strand, the complement: EEF1A2 is on the minus strand). VCF-style: chr20-63495040-T-G. GRCh37 (hg19) VCF-style: chr20-62126393-T-G.
Other names: short protein forms K129T.
Identifiers: ClinVar variation 3361466 (VCV003361466.2).

ClinVar aggregate classification (germline): Uncertain significance (1 of 4 stars; one submission).

Submission:

GeneDx
Classification: Uncertain significance. Last evaluated: 2025-01-29. Review status: criteria provided, single submitter. Criteria: GeneDx Variant Classification Process June 2021. Collection method: clinical testing. Allele origin: germline.
Comment: Not observed at significant frequency in large population cohorts (gnomAD); In silico analysis supports that this missense variant has a deleterious effect on protein structure/function; Has not been previously published as pathogenic or benign to our knowledge